The following is an entry in ClinVar:

NM_007118.4(TRIO):c.7603C>T (p.Gln2535Ter)

Gene: TRIO (trio Rho guanine nucleotide exchange factor; plus strand). Cytogenetic location: 5p15.2.
Variant type: single nucleotide variant.
Coding change: c.7603C>T on transcript NM_007118.4 (MANE Select); coding-DNA position 7603, C replaced by T.
Protein change: p.Gln2535Ter; replaces glutamine 2535 with a stop codon.
Molecular consequence: nonsense.
Genome position (GRCh38, 1-based): chr5:14,488,231, C>T. VCF-style: chr5-14488231-C-T. GRCh37 (hg19) VCF-style: chr5-14488340-C-T.
Other names: short protein forms Q2535*.
Identifiers: ClinVar variation 4822813 (VCV004822813.4).

ClinVar aggregate classification (germline): Pathogenic (1 of 4 stars; one submission).

Submission:

CeGaT Center for Human Genetics Tuebingen
Classification: Pathogenic. Last evaluated: 2025-12-01. Review status: criteria provided, single submitter. Criteria: CeGaT Center For Human Genetics Tuebingen Variant Classification Criteria Version 2. Collection method: clinical testing. Allele origin: germline. Affected: yes. Observed: 1 variant allele.
Comment: TRIO: PVS1, PM2